The following is an entry in ClinVar:

NM_000821.7(GGCX):c.1569A>C (p.Leu523=)

Gene: GGCX (gamma-glutamyl carboxylase; minus strand). Cytogenetic location: 2p11.2.
Variant type: single nucleotide variant.
Coding change: c.1569A>C on transcript NM_000821.7 (MANE Select); coding-DNA position 1569, A replaced by C.
Protein change: p.Leu523=; no amino-acid change (leucine 523 retained).
Molecular consequence: synonymous variant.
Genome position (GRCh38, 1-based): chr2:85,551,852, T>G on the plus strand (A>C on the coding strand, the complement: GGCX is on the minus strand). VCF-style: chr2-85551852-T-G. GRCh37 (hg19) VCF-style: chr2-85778975-T-G.
Other names: c.1398A>C, p.Leu466= (NM_001142269.4).
Identifiers: ClinVar variation 4070772 (VCV004070772.2).

ClinVar aggregate classification (germline): Conflicting classifications of pathogenicity. Review status: criteria provided, conflicting classifications (1 of 4 stars). 2 submissions from 2 submitters: Uncertain significance (1); Likely benign (1). Last evaluated 2025-08-05.

gnomAD v4.1: 13 of 1,614,024 alleles (0.00081%); highest among the groups gnomAD compares: South Asian, 0.0022%; no homozygotes.

Submissions (2):

Labcorp Genetics (formerly Invitae), Labcorp
Classification: Likely benign. Last evaluated: 2025-08-05. Review status: criteria provided, single submitter. Criteria: Invitae Variant Classification Sherloc (09022015). Collection method: clinical testing. Allele origin: germline.

GeneDx
Classification: Uncertain significance. Last evaluated: 2025-01-19. Review status: criteria provided, single submitter. Criteria: GeneDx Variant Classification Process June 2021. Collection method: clinical testing. Allele origin: germline. Affected: yes.
Comment: Not observed at significant frequency in large population cohorts (gnomAD); Has not been previously published as pathogenic or benign to our knowledge; In silico analysis suggests this variant may impact gene splicing. In the absence of RNA/functional studies, the actual effect of this sequence change is unknown.